The following is an entry in ClinVar:

ClinVar aggregate classification (germline): Uncertain significance. Review status: criteria provided, multiple submitters, no conflicts (2 of 4 stars). 2 submissions from 2 submitters: Uncertain significance (2). Last evaluated 2024-12-04.

Conditions:
Congenital myotonia, autosomal recessive form. Also called: BECKER DISEASE; Becker Generalized Myotonia; myotonia congenita, autosomal recessive. Identifiers: Orphanet 614, MedGen C0751360, MONDO:0009715, OMIM 255700.
Congenital myotonia, autosomal dominant form (THD). Also called: THOMSEN DISEASE; Myotonia congenita autosomal dominant. Identifiers: Orphanet 614, MedGen C2936781, MONDO:0008055, OMIM 160800.

Allele frequency attached by ClinVar (database versions not stated): gnomAD exomes below 0.00001; gnomAD 0.00001; TOPMed 0.00002.
gnomAD v4.1: 2 of 1,614,036 alleles (0.00012%); highest among the groups gnomAD compares: African/African-American, 0.0013%; no homozygotes.

Submissions (2):

Labcorp Genetics (formerly Invitae), Labcorp
Classification: Uncertain significance for Congenital myotonia, autosomal recessive form; Congenital myotonia, autosomal dominant form. Last evaluated: 2024-12-04. Review status: criteria provided, single submitter. Criteria: Invitae Variant Classification Sherloc (09022015). Collection method: clinical testing. Allele origin: germline.
Comment: This sequence change replaces valine, which is neutral and non-polar, with isoleucine, which is neutral and non-polar, at codon 456 of the CLCN1 protein (p.Val456Ile). This variant is not present in population databases (gnomAD no frequency). This missense change has been observed in individual(s) with clinical features of CLCN1-related conditions (PMID: 34529042). ClinVar contains an entry for this variant (Variation ID: 1305221). Invitae Evidence Modeling of protein sequence and biophysical properties (such as structural, functional, and spatial information, amino acid conservation, physicochemical variation, residue mobility, and thermodynamic stability) has been performed for this missense variant. However, the output from this modeling did not meet the statistical confidence thresholds required to predict the impact of this variant on CLCN1 protein function. Experimental studies have shown that this missense change does not substantially affect CLCN1 function (PMID: 34529042). In summary, the available evidence is currently insufficient to determine the role of this variant in disease. Therefore, it has been classified as a Variant of Uncertain Significance.

GeneDx
Classification: Uncertain significance. Last evaluated: 2019-04-24. Review status: criteria provided, single submitter. Criteria: GeneDx Variant Classification Process June 2021. Collection method: clinical testing. Allele origin: germline. Affected: yes.
Comment: Has not been previously published as pathogenic or benign to our knowledge; Not observed in large population cohorts (Lek et al., 2016); In silico analysis, which includes protein predictors and evolutionary conservation, supports that this variant does not alter protein structure/function

Literature cited by the submitters: PubMed 34529042 (cited by Labcorp Genetics (formerly Invitae), Labcorp).

NM_000083.3(CLCN1):c.1366G>A (p.Val456Ile)

Gene: CLCN1 (chloride voltage-gated channel 1; plus strand). Cytogenetic location: 7q34.
Variant type: single nucleotide variant.
Coding change: c.1366G>A on transcript NM_000083.3 (MANE Select); coding-DNA position 1366, G replaced by A.
Protein change: p.Val456Ile; replaces valine 456 with isoleucine.
Molecular consequence: missense variant.
Genome position (GRCh38, 1-based): chr7:143,332,838, G>A. VCF-style: chr7-143332838-G-A. GRCh37 (hg19) VCF-style: chr7-143029931-G-A.
Other names: short protein forms V456I.
Identifiers: ClinVar variation 1305221 (VCV001305221.5), dbSNP rs922819878, ClinGen allele CA168214543.